The following is an entry in ClinVar:

ClinVar aggregate classification (germline): Likely benign. Review status: criteria provided, single submitter (1 of 4 stars). 2 submissions from 2 submitters: Likely benign (1). 1 of the submissions does not count toward it. Last evaluated 2023-04-09.

Conditions:
SLC25A32-related disorder. Also called: SLC25A32-related condition.

Allele frequency attached by ClinVar (database versions not stated): TOPMed 0.00007.
gnomAD v4.1: 26 of 1,599,404 alleles (0.0016%); highest among the groups gnomAD compares: African/African-American, 0.027%; no homozygotes.

Submissions (2):

Labcorp Genetics (formerly Invitae), Labcorp
Classification: Likely benign. Last evaluated: 2023-04-09. Review status: criteria provided, single submitter. Criteria: Invitae Variant Classification Sherloc (09022015). Collection method: clinical testing. Allele origin: germline.

PreventionGenetics, part of Exact Sciences
Classification: Likely benign for SLC25A32-related condition. Last evaluated: 2021-06-03. Review status: no assertion criteria provided. Collection method: clinical testing. Allele origin: germline. Not counted in ClinVar's aggregate classification.
Comment: This variant is classified as likely benign based on ACMG/AMP sequence variant interpretation guidelines (Richards et al. 2015 PMID: 25741868, with internal and published modifications).

NM_030780.5(SLC25A32):c.391+9A>G

Gene: SLC25A32 (solute carrier family 25 member 32; minus strand). Cytogenetic location: 8q22.3.
Variant type: single nucleotide variant.
Coding change: c.391+9A>G on transcript NM_030780.5 (MANE Select); 9 bases into the intron after coding-DNA position 391, A replaced by G.
Molecular consequence: intron variant.
Genome position (GRCh38, 1-based): chr8:103,404,767, T>C on the plus strand (A>G on the coding strand, the complement: SLC25A32 is on the minus strand). VCF-style: chr8-103404767-T-C. GRCh37 (hg19) VCF-style: chr8-104416995-T-C.
Other names: c.391+9A>G (NM_030780.4).
Identifiers: ClinVar variation 2914750 (VCV002914750.5), dbSNP rs755527820, ClinGen allele CA4835496.